The following is an entry in ClinVar:

ClinVar aggregate classification (germline): Pathogenic (1 of 4 stars; one submission).

Conditions:
Glycogen storage disease, type VII (GSD7). Also called: GSD VII; MUSCLE PHOSPHOFRUCTOKINASE DEFICIENCY; PFKM DEFICIENCY; TARUI DISEASE. Identifiers: Orphanet 371, MedGen C0017926, MONDO:0009295, OMIM 232800.

Submission:

Myriad Genetics, Inc.
Classification: Pathogenic for Glycogen storage disease, type VII. Last evaluated: 2024-07-10. Review status: criteria provided, single submitter. Criteria: Myriad Autosomal Dominant, Autosomal Recessive and X-Linked Classification Criteria (2023). Collection method: clinical testing. Allele origin: unknown.
Comment: NM_001166686.1(PFKM):c.2102dupA(C702Vfs*3) is expected to be pathogenic in the context of glycogen storage disease, PFKM-related. This variant is predicted to lead to an abnormal or absent protein product due to the creation of a premature termination codon in PFKM, a gene where loss-of-function variants are known to be pathogenic. Please note: this variant was assessed in the context of healthy population screening.

NM_000289.6(PFKM):c.1889dup (p.Cys631fs)

Gene: PFKM (phosphofructokinase, muscle; plus strand). Cytogenetic location: 12q13.11.
Variant type: Duplication.
Coding change: c.1889dup on transcript NM_000289.6 (MANE Select); coding-DNA position 1889, one base duplicated (A; older notation c.1889dupA).
Protein change: p.Cys631fs; shifts the reading frame from cysteine 631.
Molecular consequence: frameshift variant. On other transcripts: non-coding transcript variant (6).
Genome position (GRCh38, 1-based): chr12:48,144,054, A duplicated; the last of 4 consecutive A bases (chr12:48,144,051-48,144,054); duplicating any one gives the same sequence. VCF-style (leftmost placement, unchanged base first): chr12-48144050-G-GA. GRCh37 (hg19) VCF-style: chr12-48537833-G-GA.
Other names: c.2102dup, p.Cys702fs (NM_001166686.2, NM_001354737.1, NM_001354738.1 and 1 more transcripts); c.1889dup, p.Cys631fs (NM_001166687.2, NM_001166688.2, NM_001354742.2 and 2 more transcripts); c.2198dup, p.Cys734fs (NM_001354735.1, NM_001354736.1); c.2033dup, p.Cys679fs (NM_001354740.1); c.1913dup, p.Cys639fs (NM_001354741.2); c.1802dup, p.Cys602fs (NM_001354745.2); c.1763dup, p.Cys589fs (NM_001354746.2); c.1739dup, p.Cys581fs (NM_001354747.2, NM_001354748.2); and 2 more; short protein forms C581fs, C589fs, C600fs, C602fs, C631fs, C639fs, C671fs, C679fs.
Identifiers: ClinVar variation 5013302 (VCV005013302.1).